The following is an entry in ClinVar:

ClinVar aggregate classification (germline): Likely benign. Review status: criteria provided, multiple submitters, no conflicts (2 of 4 stars). 2 submissions from 2 submitters: Likely benign (2). Last evaluated 2025-05-30.

Conditions:
MYO5B-related disorder. Also called: MYO5B-related condition.

Allele frequency attached by ClinVar (database versions not stated): gnomAD exomes 0.00001; TOPMed 0.00001; ExAC 0.00002.
gnomAD v4.1: 13 of 1,614,032 alleles (0.00081%); highest among the groups gnomAD compares: Middle Eastern, 0.033%; no homozygotes.

Submissions (2):

Labcorp Genetics (formerly Invitae), Labcorp
Classification: Likely benign. Last evaluated: 2025-05-30. Review status: criteria provided, single submitter. Criteria: Invitae Variant Classification Sherloc (09022015). Collection method: clinical testing. Allele origin: germline.

PreventionGenetics, part of Exact Sciences
Classification: Likely benign for MYO5B-related condition. Last evaluated: 2025-03-26. Review status: criteria provided, single submitter. Criteria: ACMG Guidelines, 2015. Collection method: clinical testing. Allele origin: germline.
Comment: This variant is classified as likely benign based on ACMG/AMP sequence variant interpretation guidelines (Richards et al. 2015 PMID: 25741868, with internal and published modifications).

NM_001080467.3(MYO5B):c.2478G>A (p.Gln826=)

Gene: MYO5B (myosin VB; minus strand). Cytogenetic location: 18q21.1.
Variant type: single nucleotide variant.
Coding change: c.2478G>A on transcript NM_001080467.3 (MANE Select); coding-DNA position 2478, G replaced by A.
Protein change: p.Gln826=; no amino-acid change (glutamine 826 retained).
Molecular consequence: synonymous variant.
Genome position (GRCh38, 1-based): chr18:49,904,765, C>T on the plus strand (G>A on the coding strand, the complement: MYO5B is on the minus strand). VCF-style: chr18-49904765-C-T. GRCh37 (hg19) VCF-style: chr18-47431135-C-T.
Other names: c.2478G>A (NM_001080467.2).
Identifiers: ClinVar variation 1636352 (VCV001636352.9), dbSNP rs760958642, ClinGen allele CA8961061.
Genomic context (GRCh38, chr18:49,904,765, plus strand): 5'-GGTGAAGGCCTGGATAACAACGGCAGCTCTGCGGACCCTCTGGTAGGCCTGGCGGGCCCT[C>T]TGCATGCGGTAATGTTTCTGGAGCACCACAGCCGCTCTGATCCTCCGCAGGTGCTCAGCC-3'
Protein context (NP_001073936.1, residues 816-836): AVVLQKHYRM[Gln826=]RARQAYQRVR